The following is an entry in ClinVar:

NM_003000.3(SDHB):c.19C>G (p.Leu7Val)

Gene: SDHB (succinate dehydrogenase complex iron sulfur subunit B; minus strand). Cytogenetic location: 1p36.13.
Variant type: single nucleotide variant.
Coding change: c.19C>G on transcript NM_003000.3 (MANE Select); coding-DNA position 19, C replaced by G.
Protein change: p.Leu7Val; replaces leucine 7 with valine.
Molecular consequence: missense variant.
Genome position (GRCh38, 1-based): chr1:17,054,001, G>C on the plus strand (C>G on the coding strand, the complement: SDHB is on the minus strand). VCF-style: chr1-17054001-G-C. GRCh37 (hg19) VCF-style: chr1-17380496-G-C.
Other names: short protein forms L7V.
Identifiers: ClinVar variation 820490 (VCV000820490.6), dbSNP rs745664191, ClinGen allele CA338230849.

ClinVar aggregate classification (germline): Conflicting classifications of pathogenicity. Review status: criteria provided, conflicting classifications (1 of 4 stars). 3 submissions from 3 submitters: Uncertain significance (2); Likely benign (1). Last evaluated 2023-09-13.

Conditions:
Gastrointestinal stromal tumor. Also called: Gastrointestinal stromal tumor, somatic; Gastrointestinal stroma tumor. Identifiers: Orphanet 44890, MedGen C0238198, MeSH D046152, MONDO:0011719, OMIM 606764, HP:0100723.
Hereditary pheochromocytoma and paraganglioma. Also called: Hereditary pheochromocytoma-paraganglioma; Hereditary Paraganglioma-Pheochromocytoma Syndromes; Hereditary paragangliomas and pheochromocytomas. Identifiers: Orphanet 29072, MedGen C4274332, MONDO:0017366.
Hereditary cancer-predisposing syndrome. Also called: Neoplastic Syndromes, Hereditary; Hereditary Cancer Syndrome; Hereditary neoplastic syndrome; Tumor predisposition. Identifiers: Orphanet 140162, MedGen C0027672, MeSH D009386, MONDO:0015356.

Submissions (3):

Baylor Genetics
Classification: Uncertain significance for Gastrointestinal stromal tumor. Last evaluated: 2023-09-13. Review status: criteria provided, single submitter. Criteria: ACMG Guidelines, 2015. Collection method: clinical testing. Allele origin: unknown.

All of Us Research Program, National Institutes of Health
Classification: Uncertain significance for Hereditary pheochromocytoma and paraganglioma. Last evaluated: 2023-06-08. Review status: criteria provided, single submitter. Criteria: ACMG Guidelines, 2015. Collection method: clinical testing. Allele origin: germline. Inheritance: Autosomal dominant inheritance. Observed: 1 variant allele, 1 heterozygote.
Comment: This missense variant replaces leucine with valine at codon 7 of the SDHB protein. Computational prediction suggests that this variant may not impact protein structure and function (internally defined REVEL score threshold <= 0.5, PMID: 27666373). To our knowledge, functional studies have not been reported for this variant. This variant has not been reported in individuals affected with SDHB-related disorders in the literature. This variant has been identified in 1/242514 chromosomes in the general population by the Genome Aggregation Database (gnomAD). The available evidence is insufficient to determine the role of this variant in disease conclusively. Therefore, this variant is classified as a Variant of Uncertain Significance.

This study involves interpretation of variants in research participants for the purpose of population health screening. Participant phenotype was not available at the time of variant classification. Additional details can be found in publication PMID: 35346344, PMCID: PMC8962531

Ambry Genetics
Classification: Likely benign for Hereditary cancer-predisposing syndrome. Last evaluated: 2019-02-07. Review status: criteria provided, single submitter. Criteria: Ambry Variant Classification Scheme 2023. Collection method: clinical testing. Allele origin: germline.